The following is an entry in ClinVar:

ClinVar aggregate classification (germline): Uncertain significance. Review status: criteria provided, multiple submitters, no conflicts (2 of 4 stars). 2 submissions from 2 submitters: Uncertain significance (2). Last evaluated 2025-08-25.

Conditions:
Inborn genetic diseases. Identifiers: MedGen C0950123, MeSH D030342.

Allele frequency attached by ClinVar (database versions not stated): gnomAD 0.00008 and 0.00009; 1000 Genomes Project 30x 0.00016; 1000 Genomes Project 0.00020.
gnomAD v4.1: 128 of 1,606,460 alleles (0.008%); highest among the groups gnomAD compares: South Asian, 0.024%; no homozygotes.

Submissions (2):

Ambry Genetics
Classification: Uncertain significance for Inborn genetic diseases. Last evaluated: 2025-08-25. Review status: criteria provided, single submitter. Criteria: Ambry Variant Classification Scheme 2023. Collection method: clinical testing. Allele origin: germline.

Labcorp Genetics (formerly Invitae), Labcorp
Classification: Uncertain significance. Last evaluated: 2024-10-16. Review status: criteria provided, single submitter. Criteria: Invitae Variant Classification Sherloc (09022015). Collection method: clinical testing. Allele origin: germline.
Comment: This sequence change replaces asparagine, which is neutral and polar, with lysine, which is basic and polar, at codon 457 of the TBCK protein (p.Asn457Lys). This variant is present in population databases (rs532862191, gnomAD 0.05%). This variant has not been reported in the literature in individuals affected with TBCK-related conditions. ClinVar contains an entry for this variant (Variation ID: 1435974). Invitae Evidence Modeling of protein sequence and biophysical properties (such as structural, functional, and spatial information, amino acid conservation, physicochemical variation, residue mobility, and thermodynamic stability) indicates that this missense variant is not expected to disrupt TBCK protein function with a negative predictive value of 80%. In summary, the available evidence is currently insufficient to determine the role of this variant in disease. Therefore, it has been classified as a Variant of Uncertain Significance.

NM_001163435.3(TBCK):c.1371C>A (p.Asn457Lys)

Gene: TBCK (TBC1 domain containing kinase; minus strand). Cytogenetic location: 4q24.
Variant type: single nucleotide variant.
Coding change: c.1371C>A on transcript NM_001163435.3 (MANE Select); coding-DNA position 1371, C replaced by A.
Protein change: p.Asn457Lys; replaces asparagine 457 with lysine.
Molecular consequence: missense variant.
Genome position (GRCh38, 1-based): chr4:106,235,347, G>T on the plus strand (C>A on the coding strand, the complement: TBCK is on the minus strand). VCF-style: chr4-106235347-G-T. GRCh37 (hg19) VCF-style: chr4-107156504-G-T.
Other names: c.1371C>A (NM_001163435.1); c.1371C>A, p.Asn457Lys (NM_001163436.4); c.1254C>A, p.Asn418Lys (NM_001163437.3); c.855C>A, p.Asn285Lys (NM_001290768.2); c.1182C>A, p.Asn394Lys (NM_033115.5); short protein forms N457K, N285K, N394K, N418K.
Identifiers: ClinVar variation 1435974 (VCV001435974.6), dbSNP rs532862191, ClinGen allele CA3035084.